The following is an entry in ClinVar:

NM_014956.5(CEP164):c.4355A>G (p.His1452Arg)

Gene: CEP164 (centrosomal protein 164; plus strand). Cytogenetic location: 11q23.3.
Variant type: single nucleotide variant.
Coding change: c.4355A>G on transcript NM_014956.5 (MANE Select); coding-DNA position 4355, A replaced by G.
Protein change: p.His1452Arg; replaces histidine 1452 with arginine.
Molecular consequence: missense variant.
Genome position (GRCh38, 1-based): chr11:117,412,140, A>G. VCF-style: chr11-117412140-A-G. GRCh37 (hg19) VCF-style: chr11-117282856-A-G.
Other names: c.4340A>G, p.His1447Arg (NM_001271933.2); short protein forms H1447R, H1452R.
Identifiers: ClinVar variation 841686 (VCV000841686.9), dbSNP rs370039438, ClinGen allele CA6295805.

ClinVar aggregate classification (germline): Uncertain significance. Review status: criteria provided, multiple submitters, no conflicts (2 of 4 stars). 4 submissions from 4 submitters: Uncertain significance (3). 1 of the submissions does not count toward it. Last evaluated 2025-05-07.

Conditions:
Inborn genetic diseases. Identifiers: MedGen C0950123, MeSH D030342.
Nephronophthisis 15 (NPHP15). Identifiers: Orphanet 3156, MedGen C3541853, MONDO:0013917, OMIM 614845.
CEP164-related disorder. Also called: CEP164-related condition.

Allele frequency attached by ClinVar (database versions not stated): gnomAD 0.00004 and 0.00005; gnomAD exomes 0.00002 and 0.00001; ESP Exome Variant Server 0.00008; ExAC 0.00002; TOPMed 0.00006.
gnomAD v4.1: 16 of 1,614,070 alleles (0.00099%); highest among the groups gnomAD compares: African/African-American, 0.015%; no homozygotes.

Submissions (4):

Ambry Genetics
Classification: Uncertain significance for Inborn genetic diseases. Last evaluated: 2025-05-07. Review status: criteria provided, single submitter. Criteria: Ambry Variant Classification Scheme 2023. Collection method: clinical testing. Allele origin: germline.

Fulgent Genetics
Classification: Uncertain significance for Nephronophthisis 15. Last evaluated: 2024-03-26. Review status: criteria provided, single submitter. Criteria: ACMG Guidelines, 2015. Collection method: clinical testing. Allele origin: germline.

Labcorp Genetics (formerly Invitae), Labcorp
Classification: Uncertain significance for Nephronophthisis 15. Last evaluated: 2022-11-01. Review status: criteria provided, single submitter. Criteria: Invitae Variant Classification Sherloc (09022015). Collection method: clinical testing. Allele origin: germline.
Comment: This sequence change replaces histidine, which is basic and polar, with arginine, which is basic and polar, at codon 1452 of the CEP164 protein (p.His1452Arg). This variant is present in population databases (rs370039438, gnomAD 0.03%). This variant has not been reported in the literature in individuals affected with CEP164-related conditions. ClinVar contains an entry for this variant (Variation ID: 841686). Advanced modeling of protein sequence and biophysical properties (such as structural, functional, and spatial information, amino acid conservation, physicochemical variation, residue mobility, and thermodynamic stability) performed at Invitae indicates that this missense variant is not expected to disrupt CEP164 protein function. In summary, the available evidence is currently insufficient to determine the role of this variant in disease. Therefore, it has been classified as a Variant of Uncertain Significance.

PreventionGenetics, part of Exact Sciences
Classification: Uncertain significance for CEP164-related condition. Last evaluated: 2024-08-27. Review status: no assertion criteria provided. Collection method: clinical testing. Allele origin: germline. Not counted in ClinVar's aggregate classification.
Comment: The CEP164 c.4355A>G variant is predicted to result in the amino acid substitution p.His1452Arg. To our knowledge, this variant has not been reported in the literature. This variant is reported in 0.032% of alleles in individuals of African descent in gnomAD. At this time, the clinical significance of this variant is uncertain due to the absence of conclusive functional and genetic evidence.